The following is an entry in ClinVar:

ClinVar aggregate classification (germline): Uncertain significance (1 of 4 stars; one submission).

Conditions:
Dystonia 12 (DYT12). Also called: Rapid-Onset Dystonia-Parkinsonism (RDP); DYT-ATP1A3. Identifiers: Orphanet 71517, MedGen C1868681, MONDO:0007496, OMIM 128235.

Submission:

Labcorp Genetics (formerly Invitae), Labcorp
Classification: Uncertain significance for Dystonia 12. Last evaluated: 2021-03-18. Review status: criteria provided, single submitter. Criteria: Invitae Variant Classification Sherloc (09022015). Collection method: clinical testing. Allele origin: germline.
Comment: Advanced modeling of protein sequence and biophysical properties (such as structural, functional, and spatial information, amino acid conservation, physicochemical variation, residue mobility, and thermodynamic stability) performed at Invitae indicates that this missense variant is not expected to disrupt ATP1A3 protein function. In summary, the available evidence is currently insufficient to determine the role of this variant in disease. Therefore, it has been classified as a Variant of Uncertain Significance. This variant has not been reported in the literature in individuals with ATP1A3-related conditions. This variant is not present in population databases (ExAC no frequency). This sequence change replaces phenylalanine with leucine at codon 949 of the ATP1A3 protein (p.Phe949Leu). The phenylalanine residue is moderately conserved and there is a small physicochemical difference between phenylalanine and leucine.

NM_152296.5(ATP1A3):c.2845T>C (p.Phe949Leu)

Gene: ATP1A3 (ATPase Na+/K+ transporting subunit alpha 3; minus strand). Cytogenetic location: 19q13.2.
Variant type: single nucleotide variant.
Coding change: c.2845T>C on transcript NM_152296.5 (MANE Select); coding-DNA position 2845, T replaced by C.
Protein change: p.Phe949Leu; replaces phenylalanine 949 with leucine.
Molecular consequence: missense variant.
Genome position (GRCh38, 1-based): chr19:41,967,738, A>G on the plus strand (T>C on the coding strand, the complement: ATP1A3 is on the minus strand). VCF-style: chr19-41967738-A-G. GRCh37 (hg19) VCF-style: chr19-42471890-A-G.
Other names: c.2878T>C, p.Phe960Leu (NM_001256213.2); c.2884T>C, p.Phe962Leu (NM_001256214.2); short protein forms F962L, F960L, F949L.
Identifiers: ClinVar variation 1404086 (VCV001404086.8), dbSNP rs2145942388, ClinGen allele CA406035607.